The following is an entry in ClinVar:

ClinVar aggregate classification (germline): Benign/Likely benign. Review status: criteria provided, multiple submitters, no conflicts (2 of 4 stars). 8 submissions from 8 submitters: Benign (5); Likely benign (2). 1 of the submissions does not count toward it. Last evaluated 2026-02-01.

Conditions:
Bruck syndrome 2 (BRKS2). Also called: OSTEOGENESIS IMPERFECTA WITH CONGENITAL JOINT CONTRACTURES. Identifiers: Orphanet 2771, MedGen C1836602, MONDO:0012217, OMIM 609220.
PLOD2-related disorder. Also called: PLOD2-related condition.
Osteogenesis imperfecta (OI). Identifiers: Orphanet 666, MedGen C0029434, MeSH D010013, MONDO:0019019.

Allele frequency attached by ClinVar (database versions not stated): gnomAD exomes 0.00062 and 0.00141; ExAC 0.00181; gnomAD 0.00491 and 0.00532; 1000 Genomes Project 0.00499; 1000 Genomes Project 30x 0.00515; TOPMed 0.00558; ESP Exome Variant Server 0.00662.
gnomAD v4.1: 1,669 of 1,609,046 alleles (0.1%); highest among the groups gnomAD compares: African/African-American, 1.8%; 10 homozygotes.

Submissions (8):

Labcorp Genetics (formerly Invitae), Labcorp
Classification: Benign. Last evaluated: 2026-02-01. Review status: criteria provided, single submitter. Criteria: Invitae Variant Classification Sherloc (09022015). Collection method: clinical testing. Allele origin: germline.

Blueprint Genetics
Classification: Likely benign. Last evaluated: 2024-09-13. Review status: criteria provided, single submitter. Criteria: ACMG Guidelines, 2015. Collection method: clinical testing. Allele origin: germline.

ARUP Laboratories, Molecular Genetics and Genomics, ARUP Laboratories
Classification: Benign for Bruck syndrome 2. Last evaluated: 2023-11-22. Review status: criteria provided, single submitter. Criteria: ARUP Molecular Germline Variant Investigation Process 2024. Collection method: clinical testing. Allele origin: germline.

Genome Diagnostics Laboratory, The Hospital for Sick Children
Classification: Likely benign for Osteogenesis imperfecta. Last evaluated: 2021-08-13. Review status: criteria provided, single submitter. Criteria: ACMG Guidelines, 2015. Collection method: clinical testing. Allele origin: germline.

GeneDx
Classification: Benign. Last evaluated: 2018-07-16. Review status: criteria provided, single submitter. Criteria: GeneDx Variant Classification Process June 2021. Collection method: clinical testing. Allele origin: germline. Affected: yes.

Illumina Laboratory Services, Illumina
Classification: Benign for Bruck syndrome 2. Last evaluated: 2018-01-13. Review status: criteria provided, single submitter. Criteria: ICSL Variant Classification Criteria 13 December 2019. Collection method: clinical testing. Allele origin: germline.
Comment: This variant was observed in the ICSL laboratory as part of a predisposition screen in an ostensibly healthy population. It had not been previously curated by ICSL or reported in the Human Gene Mutation Database (HGMD: prior to June 1st, 2018), and was therefore a candidate for classification through an automated scoring system. Utilizing variant allele frequency, disease prevalence and penetrance estimates, and inheritance mode, an automated score was calculated to assess if this variant is too frequent to cause the disease. Based on the score and internal cut-off values, a variant classified as benign is not then subjected to further curation. The score for this variant resulted in a classification of benign for this disease.

Breakthrough Genomics
Classification: Benign. Review status: criteria provided, single submitter. Criteria: ACMG Guidelines, 2015. Collection method: not provided. Allele origin: germline. Inheritance: Autosomal recessive inheritance. Affected: yes.

PreventionGenetics, part of Exact Sciences
Classification: Benign for PLOD2-related condition. Last evaluated: 2019-06-04. Review status: no assertion criteria provided. Collection method: clinical testing. Allele origin: germline. Not counted in ClinVar's aggregate classification.
Comment: This variant is classified as benign based on ACMG/AMP sequence variant interpretation guidelines (Richards et al. 2015 PMID: 25741868, with internal and published modifications).

NM_182943.3(PLOD2):c.1171G>C (p.Val391Leu)

Gene: PLOD2 (procollagen-lysine,2-oxoglutarate 5-dioxygenase 2; minus strand). Cytogenetic location: 3q24.
Variant type: single nucleotide variant.
Coding change: c.1171G>C on transcript NM_182943.3 (MANE Select); coding-DNA position 1171, G replaced by C.
Protein change: p.Val391Leu; replaces valine 391 with leucine.
Molecular consequence: missense variant.
Genome position (GRCh38, 1-based): chr3:146,085,230, C>G on the plus strand (G>C on the coding strand, the complement: PLOD2 is on the minus strand). VCF-style: chr3-146085230-C-G. GRCh37 (hg19) VCF-style: chr3-145803017-C-G.
Other names: c.1171G>C, p.Val391Leu (NM_000935.3); short protein forms V391L.
Identifiers: ClinVar variation 708662 (VCV000708662.23), dbSNP rs150981193, ClinGen allele CA2654976.